The following is an entry in ClinVar:

ClinVar aggregate classification (germline): Pathogenic (1 of 4 stars; one submission).

Conditions:
Dystonia 12 (DYT12). Also called: Rapid-Onset Dystonia-Parkinsonism (RDP); DYT-ATP1A3. Identifiers: Orphanet 71517, MedGen C1868681, MONDO:0007496, OMIM 128235.

Submission:

Labcorp Genetics (formerly Invitae), Labcorp
Classification: Pathogenic for Dystonia 12. Last evaluated: 2022-08-24. Review status: criteria provided, single submitter. Criteria: Invitae Variant Classification Sherloc (09022015). Collection method: clinical testing. Allele origin: germline.
Comment: This variant, c.1784_1792del, results in the deletion of 3 amino acid(s) of the ATP1A3 protein (p.Lys595_Arg597del), but otherwise preserves the integrity of the reading frame. For these reasons, this variant has been classified as Pathogenic. This variant disrupts a region of the ATP1A3 protein in which other variant(s) (p.Arg597Pro) have been determined to be pathogenic (PMID: 28214263). This suggests that this is a clinically significant region of the protein, and that variants that disrupt it are likely to be disease-causing. Algorithms developed to predict the effect of sequence changes on RNA splicing suggest that this variant may create or strengthen a splice site. This variant has not been reported in the literature in individuals affected with ATP1A3-related conditions. This variant is not present in population databases (gnomAD no frequency).

Literature cited by the submitters: PubMed 28214263.

NM_152296.5(ATP1A3):c.1784_1792del (p.Lys595_Arg597del)

Gene: ATP1A3 (ATPase Na+/K+ transporting subunit alpha 3; minus strand). Cytogenetic location: 19q13.2.
Variant type: Deletion.
Coding change: c.1784_1792del on transcript NM_152296.5 (MANE Select); coding-DNA positions 1784 to 1792, 9 bases deleted (AGTGTCGCA; older notation c.1784_1792delAGTGTCGCA).
Protein change: p.Lys595_Arg597del.
Molecular consequence: inframe deletion.
Genome position (GRCh38, 1-based): chr19:41,978,165-41,978,173, TGCGACACT deleted on the plus strand (AGTGTCGCA on the coding strand, the reverse complement: ATP1A3 is on the minus strand); deleting any 9 consecutive bases within chr19:41,978,165-41,978,176 gives the same sequence; the c. name uses the placement nearest the transcript's 3' end. VCF-style (leftmost placement, unchanged base first): chr19-41978164-CTGCGACACT-C. GRCh37 (hg19) VCF-style: chr19-42482316-CTGCGACACT-C.
Other names: c.1817_1825del, p.Lys606_Arg608del (NM_001256213.2); c.1823_1831del, p.Lys608_Arg610del (NM_001256214.2).
Identifiers: ClinVar variation 2026932 (VCV002026932.4), dbSNP rs2514054481, ClinGen allele CA2580097322.
Genomic context (GRCh38, chr19:41,978,164, plus strand): 5'-CCCGCCCCACGCCTGGCTTTGCCTCCCCCAGCCACCCCAAGCCACACCTTGATGCCTGCG[CTGCGACACT>C]TGCCCACCGCGTCAGGGACGGCTGCCCGGGGTGGGTCGATCATGGACATGAGGCCCACAA-3'